The following is an entry in ClinVar:

NM_030957.4(ADAMTS10):c.280_305del (p.Ser94fs)

Gene: ADAMTS10 (ADAM metallopeptidase with thrombospondin type 1 motif 10; minus strand). Cytogenetic location: 19p13.2.
Variant type: Deletion.
Coding change: c.280_305del on transcript NM_030957.4 (MANE Select); coding-DNA positions 280 to 305, 26 bases deleted (AGCTCCCGTCTACTGGCAGGGCACGT).
Protein change: p.Ser94fs; shifts the reading frame from serine 94.
Molecular consequence: frameshift variant.
Genome position (GRCh38, 1-based): chr19:8,605,142-8,605,167, ACGTGCCCTGCCAGTAGACGGGAGCT deleted on the plus strand (AGCTCCCGTCTACTGGCAGGGCACGT on the coding strand, the reverse complement: ADAMTS10 is on the minus strand). VCF-style (leftmost placement, unchanged base first): chr19-8605141-GACGTGCCCTGCCAGTAGACGGGAGCT-G. GRCh37 (hg19) VCF-style: chr19-8670026-GACGTGCCCTGCCAGTAGACGGGAGCT-G.
Other names: short protein forms S94fs.
Identifiers: ClinVar variation 1430013 (VCV001430013.6), dbSNP rs2146102535, ClinGen allele CA2573155952.

ClinVar aggregate classification (germline): Pathogenic (1 of 4 stars; one submission).

Allele frequency attached by ClinVar (database versions not stated): gnomAD exomes below 0.00001.

Submission:

Labcorp Genetics (formerly Invitae), Labcorp
Classification: Pathogenic. Last evaluated: 2024-04-15. Review status: criteria provided, single submitter. Criteria: Invitae Variant Classification Sherloc (09022015). Collection method: clinical testing. Allele origin: germline.
Comment: This sequence change creates a premature translational stop signal (p.Ser94Leufs*57) in the ADAMTS10 gene. It is expected to result in an absent or disrupted protein product. Loss-of-function variants in ADAMTS10 are known to be pathogenic (PMID: 15368195, 18567016). This variant is not present in population databases (gnomAD no frequency). This variant has not been reported in the literature in individuals affected with ADAMTS10-related conditions. ClinVar contains an entry for this variant (Variation ID: 1430013). For these reasons, this variant has been classified as Pathogenic.

Literature cited by the submitters: PubMed 15368195; PubMed 18567016.